The following is an entry in ClinVar:

NM_001365536.1(SCN9A):c.4076T>C (p.Phe1359Ser)

Genes: SCN9A (sodium voltage-gated channel alpha subunit 9; minus strand), SCN1A-AS1 (SCN1A and SCN9A antisense RNA 1; plus strand). Cytogenetic location: 2q24.3.
Variant type: single nucleotide variant.
Coding change: c.4076T>C on transcript NM_001365536.1 (MANE Select); coding-DNA position 4076, T replaced by C.
Protein change: p.Phe1359Ser; replaces phenylalanine 1359 with serine.
Molecular consequence: missense variant.
Genome position (GRCh38, 1-based): chr2:166,228,821, A>G on the plus strand (T>C on the coding strand, the complement: SCN9A is on the minus strand). VCF-style: chr2-166228821-A-G. GRCh37 (hg19) VCF-style: chr2-167085331-A-G.
Other names: c.4043T>C, p.Phe1348Ser (NM_002977.4); short protein forms F1348S, F1359S.
Identifiers: ClinVar variation 1717244 (VCV001717244.6), dbSNP rs1246327861, ClinGen allele CA349063759.

ClinVar aggregate classification (germline): Uncertain significance (1 of 4 stars; one submission).

Conditions:
Generalized epilepsy with febrile seizures plus, type 7 (GEFSP7). Also called: GEFS+, TYPE 7. Identifiers: Orphanet 36387, MedGen C2751778, MONDO:0013470, OMIM 613863.
Neuropathy, hereditary sensory and autonomic, type 2A (HSAN2A). Also called: ACROOSTEOLYSIS, GIACCAI TYPE; ACROOSTEOLYSIS, NEUROGENIC; WNK1-Related HSAN2 (HSAN2A); HSAN IIA; MORVAN DISEASE; NEUROPATHY, CONGENITAL SENSORY. Identifiers: Orphanet 970, MedGen C2752089, MONDO:0024309, OMIM 201300.

Allele frequency attached by ClinVar (database versions not stated): gnomAD 0.00001.
gnomAD v4.1: 1 of 1,613,872 alleles (0.000062%); highest among the groups gnomAD compares: African/African-American, 0.0013%; no homozygotes.

Submission:

Labcorp Genetics (formerly Invitae), Labcorp
Classification: Uncertain significance for Neuropathy, hereditary sensory and autonomic, type 2A; Generalized epilepsy with febrile seizures plus, type 7. Last evaluated: 2025-07-01. Review status: criteria provided, single submitter. Criteria: Invitae Variant Classification Sherloc (09022015). Collection method: clinical testing. Allele origin: germline.
Comment: This sequence change replaces phenylalanine, which is neutral and non-polar, with serine, which is neutral and polar, at codon 1348 of the SCN9A protein (p.Phe1348Ser). This variant is present in population databases (no rsID available, gnomAD 0.01%). This variant has not been reported in the literature in individuals affected with SCN9A-related conditions. ClinVar contains an entry for this variant (Variation ID: 1717244). Invitae Evidence Modeling of protein sequence and biophysical properties (such as structural, functional, and spatial information, amino acid conservation, physicochemical variation, residue mobility, and thermodynamic stability) indicates that this missense variant is not expected to disrupt SCN9A protein function with a negative predictive value of 95%. In summary, the available evidence is currently insufficient to determine the role of this variant in disease. Therefore, it has been classified as a Variant of Uncertain Significance.